The following is an entry in ClinVar:

ClinVar aggregate classification (germline): Pathogenic/Likely pathogenic. Review status: criteria provided, multiple submitters, no conflicts (2 of 4 stars). 2 submissions from 2 submitters: Pathogenic (1); Likely pathogenic (1). Last evaluated 2026-05-18.

Conditions:
SCAF4-related disorder. Also called: SCAF4-related condition.
Fliedner-Zweier syndrome (FZS). Identifiers: MedGen C5882693, MONDO:0957787, OMIM 620511.

Submissions (2):

Institute of Medical Genetics, University of Zurich
Classification: Pathogenic for Fliedner-Zweier syndrome. Last evaluated: 2026-05-18. Review status: criteria provided, single submitter. Criteria: ACMG Guidelines, 2015. Collection method: clinical testing. Allele origin: de novo. Inheritance: Autosomal dominant inheritance. Affected: yes. Observed: 1 variant allele.
Comment: The 2-bp deletion c.839_840del (p.Glu280Glyfs*82) in the SCAF4 gene (NM_020706.2) is predicted to cause a frameshift resulting in a premature termination codon. The variant is predicted to lead to nonsense-mediated mRNA decay (NMD), resulting in loss of function. Loss-of-function variants in SCAF4 are an established cause of autosomal-dominant Fliedner-Zweier syndrome (OMIM: #620511). This variant is absent from population databases (gnomAD v4.1) and has not been reported previously in the literature. Segregation analysis demonstrated absence of the variant in both parents, suggesting a de novo occurrence. Taken together, these findings support classification of the variant as pathogenic (ACMG criteria: PVS1, PS2, PM2).

PreventionGenetics, part of Exact Sciences
Classification: Likely pathogenic for SCAF4-related condition. Last evaluated: 2023-06-28. Review status: criteria provided, single submitter. Criteria: ACMG Guidelines, 2015. Collection method: clinical testing. Allele origin: germline.
Comment: The SCAF4 c.839_840delAG variant is predicted to result in a frameshift and premature protein termination (p.Glu280Glyfs*82). To our knowledge, this variant has not been reported in the literature or in a large population database, indicating this variant is rare. Frameshift variants in SCAF4 are expected to be pathogenic. Therefore we interpret c.839_840del (p.Glu280Glyfs*82) as likely pathogenic.

NM_020706.2(SCAF4):c.839_840del (p.Glu280fs)

Gene: SCAF4 (SR-related CTD associated factor 4; minus strand). Cytogenetic location: 21q22.11.
Variant type: Microsatellite.
Coding change: c.839_840del on transcript NM_020706.2 (MANE Select); coding-DNA positions 839 to 840, 2 bases deleted (AG; older notation c.839_840delAG).
Protein change: p.Glu280fs; shifts the reading frame from glutamic acid 280.
Molecular consequence: frameshift variant.
Genome position (GRCh38, 1-based): chr21:31,696,688-31,696,689, CT deleted on the plus strand (AG on the coding strand, the reverse complement: SCAF4 is on the minus strand); deleting any 2 consecutive bases within chr21:31,696,688-31,696,691 gives the same sequence; the c. name uses the placement nearest the transcript's 3' end. VCF-style (leftmost placement, unchanged base first): chr21-31696687-CCT-C. GRCh37 (hg19) VCF-style: chr21-33069000-CCT-C.
Other names: c.839_840delAG (NM_020706.2); c.794_795del, p.Glu265fs (NM_001145444.1); c.839_840del, p.Glu280fs (NM_001145445.1); short protein forms E265fs, E280fs.
Identifiers: ClinVar variation 2628910 (VCV002628910.2), dbSNP rs2516779304, ClinGen allele CA2695201434.
Genomic context (GRCh38, chr21:31,696,687, plus strand): 5'-TGGCGGTGGGTGCAGGGGGTACTGCGGCAGCAGGTGCTGTCGTGGTGACGGCAGTGGTAT[CCT>C]CTTTCTTTGATTCTTCCACAGCTTCTGGCTCATCATCATAGTCAAATCTATCAAGCAACT-3'